The following is an entry in ClinVar:

NM_002427.4(MMP13):c.212T>C (p.Met71Thr)

Genes: MMP13 (matrix metallopeptidase 13; minus strand), LOC126861318 (BRD4-independent group 4 enhancer GRCh37_chr11:102825894-102827093; plus strand). Cytogenetic location: 11q22.2.
Variant type: single nucleotide variant.
Coding change: c.212T>C on transcript NM_002427.4 (MANE Select); coding-DNA position 212, T replaced by C.
Protein change: p.Met71Thr; replaces methionine 71 with threonine.
Molecular consequence: missense variant.
Genome position (GRCh38, 1-based): chr11:102,955,402, A>G on the plus strand (T>C on the coding strand, the complement: MMP13 is on the minus strand). VCF-style: chr11-102955402-A-G. GRCh37 (hg19) VCF-style: chr11-102826131-A-G.
Other names: short protein forms M71T.
Identifiers: ClinVar variation 560880 (VCV000560880.12), dbSNP rs1565256477, ClinGen allele CA382232842.

ClinVar aggregate classification (germline): Pathogenic. Review status: criteria provided, multiple submitters, no conflicts (2 of 4 stars). 3 submissions from 3 submitters: Pathogenic (3). Last evaluated 2025-12-26.

Conditions:
Spondyloepimetaphyseal dysplasia, Missouri type. Identifiers: Orphanet 1040, Orphanet 93356, MedGen C1865832, MONDO:0011198, OMIM 602111.

Submissions (3):

Labcorp Genetics (formerly Invitae), Labcorp
Classification: Pathogenic. Last evaluated: 2025-12-26. Review status: criteria provided, single submitter. Criteria: Invitae Variant Classification Sherloc (09022015). Collection method: clinical testing. Allele origin: germline.
Comment: This sequence change replaces methionine, which is neutral and non-polar, with threonine, which is neutral and polar, at codon 71 of the MMP13 protein (p.Met71Thr). This variant is not present in population databases (gnomAD no frequency). This missense change has been observed in individual(s) with autosomal dominant metaphyseal anadysplasia (PMID: 30439533; internal data). In at least one individual the variant was observed to be de novo. ClinVar contains an entry for this variant (Variation ID: 560880, 9445). Invitae Evidence Modeling of protein sequence and biophysical properties (such as structural, functional, and spatial information, amino acid conservation, physicochemical variation, residue mobility, and thermodynamic stability) indicates that this missense variant is expected to disrupt MMP13 protein function with a positive predictive value of 80%. For these reasons, this variant has been classified as Pathogenic.

3billion
Classification: Pathogenic for Spondyloepimetaphyseal dysplasia, Missouri type. Last evaluated: 2025-08-04. Review status: criteria provided, single submitter. Criteria: ACMG Guidelines, 2015. Collection method: clinical testing. Allele origin: germline. Affected: yes.
Comment: The variant is not observed in the gnomAD v4.1.0 dataset. Predicted Consequence/Location: Missense variant In silico tool predictions suggest damaging effect of the variant on gene or gene product [REVEL: 0.74 (>=0.6, sensitivity 0.68 and specificity 0.92)]. The same nucleotide change resulting in the same amino acid change has been previously reported as pathogenic/likely pathogenic with strong evidence (ClinVar ID: VCV000560880 /PMID: 30439533 /3billion dataset). The variant has been previously reported as de novo in a similarly affected individual (PMID: 30439533). Therefore, this variant is classified as Pathogenic according to the recommendation of ACMG/AMP guideline.

Department of Endocrinology and Genetic Metabolic Diseases, Children’s Hospital of Chongqing Medical University
Classification: Pathogenic for Spondyloepimetaphyseal dysplasia, Missouri type. Last evaluated: 2018-08-31. Review status: criteria provided, single submitter. Criteria: ACMG Guidelines, 2015. Collection method: clinical testing. Allele origin: de novo. Inheritance: Autosomal dominant inheritance. Affected: yes.
Comment: The c.212T>C/p.M71T variant in MMP13 has not been reported before. However, the variant is classified as pathogenic based on de novo variants with paternity test (PS2), absence from large population studies (PM2), location in mutation hotspot (PM1), predicted impact on the protein (PP3), and consistent specific phenotypes and inheritance pattern (PP4) according to the ACMG/AMP variant-interpretation guidelines (S. Richards 2015).

Literature cited by the submitters: PubMed 30439533 (cited by Labcorp Genetics (formerly Invitae), Labcorp and 3billion).